The following is an entry in ClinVar:

ClinVar aggregate classification (germline): Likely benign (0 of 4 stars; one submission).

Conditions:
THSD7A-related disorder. Also called: THSD7A-related condition.

Submission:

PreventionGenetics, part of Exact Sciences
Classification: Likely benign for THSD7A-related condition. Last evaluated: 2022-08-01. Review status: no assertion criteria provided. Collection method: clinical testing. Allele origin: germline.
Comment: This variant is classified as likely benign based on ACMG/AMP sequence variant interpretation guidelines (Richards et al. 2015 PMID: 25741868, with internal and published modifications).

NM_015204.3(THSD7A):c.3244-10A>C

Gene: THSD7A (thrombospondin type 1 domain containing 7A; minus strand). Cytogenetic location: 7p21.3.
Variant type: single nucleotide variant.
Coding change: c.3244-10A>C on transcript NM_015204.3 (MANE Select); 10 bases into the intron before coding-DNA position 3244, A replaced by C.
Molecular consequence: intron variant.
Genome position (GRCh38, 1-based): chr7:11,426,681, T>G on the plus strand (A>C on the coding strand, the complement: THSD7A is on the minus strand). VCF-style: chr7-11426681-T-G. GRCh37 (hg19) VCF-style: chr7-11466308-T-G.
Identifiers: ClinVar variation 3048841 (VCV003048841.2), dbSNP rs2533736416, ClinGen allele CA2740097305.